The following is an entry in ClinVar:

ClinVar aggregate classification (germline): Likely pathogenic (1 of 4 stars; one submission).

Conditions:
Tuberous sclerosis 1 (TSC1). Identifiers: Orphanet 805, MedGen C1854465, MONDO:0008612, OMIM 191100.

Submission:

Myriad Genetics, Inc.
Classification: Likely pathogenic for Tuberous sclerosis 1. Last evaluated: 2026-04-24. Review status: criteria provided, single submitter. Criteria: Myriad Autosomal Dominant, Autosomal Recessive and X-Linked Classification Criteria (2023). Collection method: clinical testing. Allele origin: unknown.
Comment: This variant is considered likely pathogenic. This variant occurs within a consensus splice junction and is predicted to result in abnormal mRNA splicing of either an out-of-frame exon or an in-frame exon necessary for protein stability and/or normal function.

NM_000368.5(TSC1):c.1998-5_2026del

Gene: TSC1 (TSC complex subunit 1; minus strand). Cytogenetic location: 9q34.13.
Variant type: Deletion.
Coding change: c.1998-5_2026del on transcript NM_000368.5 (MANE Select); 5 bases into the intron before coding-DNA position 1998 through coding-DNA position 2026, 34 bases deleted.
Molecular consequence: splice acceptor variant.
Genome position (GRCh38, 1-based): chr9:132,904,426-132,904,459, 34 bases deleted; deleting any 34 consecutive bases within chr9:132,904,426-132,904,460 gives the same sequence; the c. name uses the placement nearest the transcript's 3' end. GRCh37 (hg19): chr9:135,779,814-135,779,847.
Other names: c.1632-5_1660del (NM_001406620.1, NM_001406625.1, NM_001406621.1 and 2 more transcripts); c.1635-5_1663del (NM_001406618.1, NM_001406617.1, NM_001406619.1 and 5 more transcripts); c.1842-5_1870del (NM_001406613.1, NM_001406612.1, NM_001406611.1); c.1845-5_1873del (NM_001406610.1, NM_001162427.2); c.1044-5_1072del (NM_001406627.1, NM_001406628.1); c.945-5_973del (NM_001406629.1, NM_001406630.1); c.1995-5_2023del (NM_001406603.1, NM_001406609.1, NM_001406597.1 and 6 more transcripts); c.1998-5_2026del (NM_001406602.1, NM_001406606.1, NM_001406592.1 and 7 more transcripts); and 1 more.
Identifiers: ClinVar variation 4876018 (VCV004876018.1).